The following is an entry in ClinVar:

NM_005560.6(LAMA5):c.8461G>A (p.Asp2821Asn)

Gene: LAMA5 (laminin subunit alpha 5; minus strand). Cytogenetic location: 20q13.33.
Variant type: single nucleotide variant.
Coding change: c.8461G>A on transcript NM_005560.6 (MANE Select); coding-DNA position 8461, G replaced by A.
Protein change: p.Asp2821Asn; replaces aspartic acid 2821 with asparagine.
Molecular consequence: missense variant.
Genome position (GRCh38, 1-based): chr20:62,314,347, C>T on the plus strand (G>A on the coding strand, the complement: LAMA5 is on the minus strand). VCF-style: chr20-62314347-C-T. GRCh37 (hg19) VCF-style: chr20-60889403-C-T.
Other names: p.Asp2821Asn; short protein forms D2821N.
Identifiers: ClinVar variation 3380673 (VCV003380673.1).

ClinVar aggregate classification (germline): Uncertain significance (1 of 4 stars; one submission).

gnomAD v4.1: 9 of 1,613,252 alleles (0.00056%); highest among the groups gnomAD compares: Admixed American, 0.0017%; no homozygotes.

Submission:

Mayo Clinic Laboratories, Mayo Clinic
Classification: Uncertain significance. Last evaluated: 2024-02-19. Review status: criteria provided, single submitter. Criteria: ACMG Guidelines, 2015. Collection method: clinical testing. Allele origin: germline. Observed: 1 variant allele.
Comment: BP4